The following is an entry in ClinVar:

NM_001374353.1(GLI2):c.*1837_*1840dup

Gene: GLI2 (GLI family zinc finger 2; plus strand). Cytogenetic location: 2q14.2.
Variant type: Duplication.
Coding change: c.*1837_*1840dup on transcript NM_001374353.1 (MANE Select); 1837 bases downstream of the stop codon through 1840 bases downstream of the stop codon, 4 bases duplicated (ATCT; older notation c.*1837_*1840dupATCT).
Molecular consequence: 3 prime UTR variant.
Genome position (GRCh38, 1-based): chr2:120,992,512-120,992,515, ATCT duplicated; duplicating any 4 consecutive bases within chr2:120,992,509-120,992,515 gives the same sequence; the c. name uses the placement nearest the transcript's 3' end. VCF-style (leftmost placement, unchanged base first): chr2-120992508-G-GTCTA. GRCh37 (hg19) VCF-style: chr2-121750084-G-GTCTA.
Other names: c.*1837_*1840dup (NM_001371271.1, NM_001374354.1, NM_005270.5).
Identifiers: ClinVar variation 331029 (VCV000331029.29), dbSNP rs558203417, ClinGen allele CA10612158.

ClinVar aggregate classification (germline): Likely benign (1 of 4 stars; one submission).

Submission:

CeGaT Center for Human Genetics Tuebingen
Classification: Likely benign. Last evaluated: 2023-03-01. Review status: criteria provided, single submitter. Criteria: CeGaT Center For Human Genetics Tuebingen Variant Classification Criteria Version 2. Collection method: clinical testing. Allele origin: germline. Affected: yes. Observed: 3 variant alleles.
Comment: GLI2: BS1